The following is an entry in ClinVar:

ClinVar aggregate classification (germline): Uncertain significance. Review status: criteria provided, multiple submitters, no conflicts (2 of 4 stars). 4 submissions from 4 submitters: Uncertain significance (4). Last evaluated 2025-04-28.

Conditions:
Congenital muscular dystrophy due to integrin alpha-7 deficiency. Also called: MYOPATHY, CONGENITAL, DUE TO INTEGRIN ALPHA-7 DEFICIENCY; Congenital muscular dystrophy with integrin alpha-7 deficiency; Muscular dystrophy, congenital, due to ITGA7 deficiency. Identifiers: Orphanet 34520, MedGen C2750786, MONDO:0013177, OMIM 613204.

Allele frequency attached by ClinVar (database versions not stated): gnomAD 0.00002.
gnomAD v4.1: 18 of 1,614,032 alleles (0.0011%); highest among the groups gnomAD compares: Middle Eastern, 0.016%; no homozygotes.

Submissions (4):

Ambry Genetics
Classification: Uncertain significance. Last evaluated: 2025-04-28. Review status: criteria provided, single submitter. Criteria: Ambry Variant Classification Scheme 2023. Collection method: clinical testing. Allele origin: germline.

GeneDx
Classification: Uncertain significance. Last evaluated: 2024-09-04. Review status: criteria provided, single submitter. Criteria: GeneDx Variant Classification Process June 2021. Collection method: clinical testing. Allele origin: germline. Affected: yes.
Comment: Not observed at significant frequency in large population cohorts (gnomAD); In silico analysis supports that this missense variant has a deleterious effect on protein structure/function; Has not been previously published as pathogenic or benign to our knowledge

Labcorp Genetics (formerly Invitae), Labcorp
Classification: Uncertain significance for Congenital muscular dystrophy due to integrin alpha-7 deficiency. Last evaluated: 2022-12-29. Review status: criteria provided, single submitter. Criteria: Invitae Variant Classification Sherloc (09022015). Collection method: clinical testing. Allele origin: germline.
Comment: In summary, the available evidence is currently insufficient to determine the role of this variant in disease. Therefore, it has been classified as a Variant of Uncertain Significance. Advanced modeling of protein sequence and biophysical properties (such as structural, functional, and spatial information, amino acid conservation, physicochemical variation, residue mobility, and thermodynamic stability) performed at Invitae indicates that this missense variant is not expected to disrupt ITGA7 protein function. ClinVar contains an entry for this variant (Variation ID: 1370779). This variant has not been reported in the literature in individuals affected with ITGA7-related conditions. This variant is present in population databases (rs746101495, gnomAD 0.005%). This sequence change replaces glutamic acid, which is acidic and polar, with lysine, which is basic and polar, at codon 308 of the ITGA7 protein (p.Glu308Lys).

Revvity Omics, Revvity
Classification: Uncertain significance for Congenital muscular dystrophy due to integrin alpha-7 deficiency. Last evaluated: 2021-06-18. Review status: criteria provided, single submitter. Criteria: ACMG Guidelines, 2015. Collection method: clinical testing. Allele origin: germline.

NM_002206.3(ITGA7):c.922G>A (p.Glu308Lys)

Gene: ITGA7 (integrin subunit alpha 7; minus strand). Cytogenetic location: 12q13.2.
Variant type: single nucleotide variant.
Coding change: c.922G>A on transcript NM_002206.3 (MANE Select); coding-DNA position 922, G replaced by A.
Protein change: p.Glu308Lys; replaces glutamic acid 308 with lysine.
Molecular consequence: missense variant. On other transcripts: 5 prime UTR variant (1).
Genome position (GRCh38, 1-based): chr12:55,698,786, C>T on the plus strand (G>A on the coding strand, the complement: ITGA7 is on the minus strand). VCF-style: chr12-55698786-C-T. GRCh37 (hg19) VCF-style: chr12-56092570-C-T.
Other names: c.934G>A, p.Glu312Lys (NM_001144996.2, NM_001414029.1, NM_001414030.1); c.643G>A, p.Glu215Lys (NM_001144997.2); c.595G>A, p.Glu199Lys (NM_001367993.1); c.-371G>A (NM_001367994.1); c.922G>A, p.Glu308Lys (NM_001374465.1, NM_001414031.1, NM_001414034.1); c.1054G>A, p.Glu352Lys (NM_001410977.1); c.802G>A, p.Glu268Lys (NM_001414032.1); c.739G>A, p.Glu247Lys (NM_001414033.1); and 2 more; short protein forms E312K, E308K, E199K, E215K, E352K, E268K, E195K, E247K.
Identifiers: ClinVar variation 1370779 (VCV001370779.12), dbSNP rs746101495, ClinGen allele CA6616108.